The following is an entry in ClinVar:

ClinVar aggregate classification (germline): Uncertain significance (1 of 4 stars; one submission).

Submission:

GeneDx
Classification: Uncertain significance. Last evaluated: 2022-09-01. Review status: criteria provided, single submitter. Criteria: GeneDx Variant Classification Process June 2021. Collection method: clinical testing. Allele origin: germline. Affected: yes.
Comment: Not observed at significant frequency in large population cohorts (gnomAD); In silico analysis supports that this missense variant has a deleterious effect on protein structure/function; Has not been previously published as pathogenic or benign to our knowledge

NM_000844.4(GRM7):c.837C>A (p.Asn279Lys)

Gene: GRM7 (glutamate metabotropic receptor 7; plus strand). Cytogenetic location: 3p26.1.
Variant type: single nucleotide variant.
Coding change: c.837C>A on transcript NM_000844.4 (MANE Select); coding-DNA position 837, C replaced by A.
Protein change: p.Asn279Lys; replaces asparagine 279 with lysine.
Molecular consequence: missense variant.
Genome position (GRCh38, 1-based): chr3:7,298,784, C>A. VCF-style: chr3-7298784-C-A. GRCh37 (hg19) VCF-style: chr3-7340471-C-A.
Other names: c.837C>A, p.Asn279Lys (NM_181874.3); short protein forms N279K.
Identifiers: ClinVar variation 2442435 (VCV002442435.1), dbSNP rs1699899886, ClinGen allele CA351797867.
Genomic context (GRCh38, chr3:7,298,784, plus strand): 5'-ACGCAAAGACAGGACCATTGACTTTGATAGAATTATCAAACAGCTCCTGGACACCCCCAA[C>A]TCCAGGGCCGTCGTGATTTTTGCCAACGATGAGGATATAAAGTAAGAATAACTGGTGACA-3'
Protein context (NP_000835.1, residues 269-289): RIIKQLLDTP[Asn279Lys]SRAVVIFAND